The following is an entry in ClinVar:

NM_001077653.2(TBX20):c.297A>G (p.Lys99=)

Gene: TBX20 (T-box transcription factor 20; minus strand). Cytogenetic location: 7p14.2.
Variant type: single nucleotide variant.
Coding change: c.297A>G on transcript NM_001077653.2 (MANE Select); coding-DNA position 297, A replaced by G.
Protein change: p.Lys99=; no amino-acid change (lysine 99 retained).
Molecular consequence: synonymous variant.
Genome position (GRCh38, 1-based): chr7:35,250,034, T>C on the plus strand (A>G on the coding strand, the complement: TBX20 is on the minus strand). VCF-style: chr7-35250034-T-C. GRCh37 (hg19) VCF-style: chr7-35289646-T-C.
Other names: c.297A>G, p.Lys99= (LRG_755t1, NM_001166220.1).
Identifiers: ClinVar variation 519138 (VCV000519138.18), dbSNP rs79990622, ClinGen allele CA4217544.
Genomic context (GRCh38, chr7:35,250,034, plus strand): 5'-CTCGGTGCCCAGCTCATGGAATTTGTCCCAAAGCTCCTTGGTCTCCAGGCTGCAGGCAAT[T>C]TTGGCCATTTCCTCACTGGGGATGATGGGGGTGGTGGGGATCAGTGGCTCAGTGCACAGA-3'
Protein context (NP_001071121.1, residues 89-109): TPIIPSEEMA[Lys99=]IACSLETKEL

ClinVar aggregate classification (germline): Benign/Likely benign. Review status: criteria provided, multiple submitters, no conflicts (2 of 4 stars). 6 submissions from 6 submitters: Benign (2); Likely benign (3). 1 of the submissions does not count toward it. Last evaluated 2026-01-27.

Conditions:
Cardiovascular phenotype. Identifiers: MedGen CN230736.
TBX20-related disorder. Also called: TBX20-related condition.

Allele frequency attached by ClinVar (database versions not stated): gnomAD exomes 0.00015 and 0.00039; ExAC 0.00050; gnomAD 0.00164 and 0.00173; 1000 Genomes Project 0.00180; TOPMed 0.00186; ESP Exome Variant Server 0.00215; 1000 Genomes Project 30x 0.00219.
gnomAD v4.1: 481 of 1,613,812 alleles (0.03%); highest among the groups gnomAD compares: African/African-American, 0.58%; 1 homozygote.

Submissions (6):

Labcorp Genetics (formerly Invitae), Labcorp
Classification: Benign. Last evaluated: 2026-01-27. Review status: criteria provided, single submitter. Criteria: Invitae Variant Classification Sherloc (09022015). Collection method: clinical testing. Allele origin: germline.

Blueprint Genetics
Classification: Likely benign. Last evaluated: 2024-10-08. Review status: criteria provided, single submitter. Criteria: ACMG Guidelines, 2015. Collection method: clinical testing. Allele origin: germline.

Women's Health and Genetics/Laboratory Corporation of America, LabCorp
Classification: Benign. Last evaluated: 2023-04-10. Review status: criteria provided, single submitter. Criteria: LabCorp Variant Classification Summary - May 2015. Collection method: clinical testing. Allele origin: germline.

GeneDx
Classification: Likely benign. Last evaluated: 2020-11-13. Review status: criteria provided, single submitter. Criteria: GeneDx Variant Classification Process June 2021. Collection method: clinical testing. Allele origin: germline. Affected: yes.

Ambry Genetics
Classification: Likely benign for Cardiovascular phenotype. Last evaluated: 2016-11-08. Review status: criteria provided, single submitter. Criteria: Ambry Variant Classification Scheme 2023. Collection method: clinical testing. Allele origin: germline.

PreventionGenetics, part of Exact Sciences
Classification: Likely benign for TBX20-related condition. Last evaluated: 2024-01-30. Review status: no assertion criteria provided. Collection method: clinical testing. Allele origin: germline. Not counted in ClinVar's aggregate classification.
Comment: This variant is classified as likely benign based on ACMG/AMP sequence variant interpretation guidelines (Richards et al. 2015 PMID: 25741868, with internal and published modifications).